The following is an entry in ClinVar:

GRCh38/hg38 11q22.1(chr11:100042662-100756524)x3

Genes: ARHGAP42 (Rho GTPase activating protein 42; plus strand), ARHGAP42-AS1 (ARHGAP42 antisense RNA 1; minus strand), CNTN5 (contactin 5; plus strand), LOC124625825 (Sharpr-MPRA regulatory region 9794; plus strand), LOC124625826 (Sharpr-MPRA regulatory region 11910; plus strand) and 6 more. Cytogenetic location: 11q22.1.
Variant type: copy number gain.
Change: copy number 3 (three copies instead of two) of chr11:100,042,662-100,756,524 (713.9 kb, GRCh38 coordinates, 1-based), cytogenetic band 11q22.1.
Identifiers: ClinVar variation 57211 (VCV000057211.1).

ClinVar aggregate classification (germline): Uncertain significance (1 of 4 stars; one submission).

Submission:

ISCA site 4
Classification: Uncertain significance. Last evaluated: 2011-08-12. Review status: criteria provided, single submitter. Criteria: Kaminsky et al. (Genet Med. 2011). Collection method: clinical testing. Allele origin: paternal. Affected: yes. Observed: 1 variant allele.
Comment: Copy number variation identified through the course of routine clinical cytogenomic testing in postnatal populations. Clinical assertions have been curated as described in Kaminsky et al. 2011.